The following is an entry in ClinVar:

NM_014727.3(KMT2B):c.5114G>A (p.Arg1705Gln)

Gene: KMT2B (lysine methyltransferase 2B; plus strand). Cytogenetic location: 19q13.12.
Variant type: single nucleotide variant.
Coding change: c.5114G>A on transcript NM_014727.3 (MANE Select); coding-DNA position 5114, G replaced by A.
Protein change: p.Arg1705Gln; replaces arginine 1705 with glutamine.
Molecular consequence: missense variant.
Genome position (GRCh38, 1-based): chr19:35,730,379, G>A. VCF-style: chr19-35730379-G-A. GRCh37 (hg19) VCF-style: chr19-36221280-G-A.
Other names: NM_014727.2:n.5114G>A(p.Arg1705Gln); c.5114G>A (NM_014727.1); short protein forms R1705Q.
Identifiers: ClinVar variation 549489 (VCV000549489.3), dbSNP rs1555731980, ClinGen allele CA405419482.

ClinVar aggregate classification (germline): Conflicting classifications of pathogenicity. Review status: criteria provided, conflicting classifications (1 of 4 stars). 3 submissions from 3 submitters: Likely pathogenic (2); Uncertain significance (1). Last evaluated 2025-11-20.

Conditions:
Dystonia 28, childhood-onset (DYT28). Also called: KMT2B-Related Dystonia (DYT-KMT2B). Identifiers: Orphanet 589618, MedGen C4310633, MONDO:0015004, OMIM 617284.
Inborn genetic diseases. Identifiers: MedGen C0950123, MeSH D030342.

Submissions (3):

Ambry Genetics
Classification: Likely pathogenic for Inborn genetic diseases. Last evaluated: 2025-11-20. Review status: criteria provided, single submitter. Criteria: Ambry Variant Classification Scheme 2023. Collection method: clinical testing. Allele origin: germline.
Comment: The c.5114G>A (p.R1705Q) alteration is located in exon 24 (coding exon 24) of the KMT2B gene. This alteration results from a G to A substitution at nucleotide position 5114, causing the arginine (R) at amino acid position 1705 to be replaced by a glutamine (Q). This variant was not reported in population-based cohorts in the Genome Aggregation Database (gnomAD). This variant was reported in individual(s) with features consistent with KMT2B-related early-onset complex dystonia; in at least one individual, it was determined to be de novo (Meyer, 2017; Carecchio, 2019; Padmanabha, 2021). This amino acid position is highly conserved in available vertebrate species. The in silico prediction for this alteration is inconclusive. Based on the available evidence, this alteration is classified as likely pathogenic.

SIB Swiss Institute of Bioinformatics
Classification: Uncertain significance for Dystonia 28, childhood-onset. Last evaluated: 2018-04-16. Review status: criteria provided, single submitter. Criteria: ACMG Guidelines, 2015. Collection method: curation. Allele origin: germline.
Comment: This variant is interpreted as a Uncertain Significance, for Dystonia 28, childhood-onset, Autosomal Dominant inheritance. The following ACMG Tag(s) were applied: PM2 => Absent from controls (or at extremely low frequency if recessive) in Exome Sequencing Project, 1000 Genomes Project, or Exome Aggregation Consortium. PP3 => Multiple lines of computational evidence support a deleterious effect on the gene or gene product. PM6 => Assumed de novo, but without confirmation of paternity and maternity (PMID:27992417).

3billion
Classification: Likely pathogenic for Dystonia 28, childhood-onset. Review status: criteria provided, single submitter. Criteria: ACMG Guidelines, 2015. Collection method: clinical testing. Allele origin: unknown. Affected: yes. Observed: 1 heterozygote.
Comment: The variant is not observed in the gnomAD v2.1.1 dataset. Missense changes are a common disease-causing mechanism. In silico tool predictions suggest damaging effect of the variant on gene or gene product (REVEL: 0.72; 3Cnet: 0.83). The same nucleotide change resulting in the same amino acid change has been previously reported to be associated with KMT2B -related disorder (PMID: 27992417). The variant has been previously reported as assumed (i.e. paternity and maternity not confirmed) de novo in at least one similarly affected unrelated individual (PMID: 27992417). Therefore, this variant is classified as likely pathogenic according to the recommendation of ACMG/AMP guideline.

Literature cited by the submitters: PubMed 27992417 (cited by 3 submitters); PubMed 31216378 (cited by Ambry Genetics); PubMed 34747823 (cited by Ambry Genetics).